The following is an entry in ClinVar:

NM_002087.4(GRN):c.1554C>T (p.Asp518=)

Gene: GRN (granulin precursor; plus strand). Cytogenetic location: 17q21.31.
Variant type: single nucleotide variant.
Coding change: c.1554C>T on transcript NM_002087.4 (MANE Select); coding-DNA position 1554, C replaced by T.
Protein change: p.Asp518=; no amino-acid change (aspartic acid 518 retained).
Molecular consequence: synonymous variant.
Genome position (GRCh38, 1-based): chr17:44,352,481, C>T. VCF-style: chr17-44352481-C-T. GRCh37 (hg19) VCF-style: chr17-42429849-C-T.
Other names: c.1554C>T (NM_002087.3).
Identifiers: ClinVar variation 2200465 (VCV002200465.7), dbSNP rs189075184, ClinGen allele CA8602234.

ClinVar aggregate classification (germline): Likely benign. Review status: criteria provided, multiple submitters, no conflicts (2 of 4 stars). 3 submissions from 3 submitters: Likely benign (2). 1 of the submissions does not count toward it. Last evaluated 2025-08-18.

Conditions:
GRN-related disorder. Also called: GRN-related condition; GRN-related disorders.
Neuronal ceroid lipofuscinosis 11. Also called: GRN-Related Neuronal Ceroid-Lipofuscinosis. Identifiers: Orphanet 314629, Orphanet 79262, MedGen C3539123, MONDO:0013866, OMIM 614706.
GRN-related frontotemporal lobar degeneration with Tdp43 inclusions (FTD2). Also called: DEMENTIA, HEREDITARY DYSPHASIC DISINHIBITION; FRONTOTEMPORAL LOBAR DEGENERATION WITH UBIQUITIN-POSITIVE INCLUSIONS; FTLD-TDP, GRN-RELATED; GRN Frontotemporal Dementia; FRONTOTEMPORAL DEMENTIA WITH TDP43 INCLUSIONS, GRN-RELATED. Identifiers: Orphanet 100070, Orphanet 282, MedGen C1843792, MONDO:0011842, OMIM 607485. Disease mechanism: loss of function.

Allele frequency attached by ClinVar (database versions not stated): ExAC 0.00002; gnomAD 0.00002; gnomAD exomes 0.00002; TOPMed 0.00002; ESP Exome Variant Server 0.00008.
gnomAD v4.1: 25 of 1,614,072 alleles (0.0015%); highest among the groups gnomAD compares: Non-Finnish European, 0.0019%; no homozygotes.

Submissions (3):

Labcorp Genetics (formerly Invitae), Labcorp
Classification: Likely benign for Neuronal ceroid lipofuscinosis 11; GRN-related frontotemporal lobar degeneration with Tdp43 inclusions. Last evaluated: 2025-08-18. Review status: criteria provided, single submitter. Criteria: Invitae Variant Classification Sherloc (09022015). Collection method: clinical testing. Allele origin: germline.

Blueprint Genetics
Classification: Likely benign. Last evaluated: 2023-12-15. Review status: criteria provided, single submitter. Criteria: ACMG Guidelines, 2015. Collection method: clinical testing. Allele origin: germline.

PreventionGenetics, part of Exact Sciences
Classification: Likely benign for GRN-related condition. Last evaluated: 2020-01-17. Review status: no assertion criteria provided. Collection method: clinical testing. Allele origin: germline. Not counted in ClinVar's aggregate classification.
Comment: This variant is classified as likely benign based on ACMG/AMP sequence variant interpretation guidelines (Richards et al. 2015 PMID: 25741868, with internal and published modifications).